The following is an entry in ClinVar:

NM_005609.4(PYGM):c.2313-47T>C

Gene: PYGM (glycogen phosphorylase, muscle associated; minus strand). Cytogenetic location: 11q13.1.
Variant type: single nucleotide variant.
Coding change: c.2313-47T>C on transcript NM_005609.4 (MANE Select); 47 bases into the intron before coding-DNA position 2313, T replaced by C.
Molecular consequence: intron variant.
Genome position (GRCh38, 1-based): chr11:64,747,034, A>G on the plus strand (T>C on the coding strand, the complement: PYGM is on the minus strand). VCF-style: chr11-64747034-A-G. GRCh37 (hg19) VCF-style: chr11-64514506-A-G.
Other names: c.2049-47T>C (NM_001164716.1).
Identifiers: ClinVar variation 259834 (VCV000259834.6), dbSNP rs569602, ClinGen allele CA6079554.

ClinVar aggregate classification (germline): Benign. Review status: criteria provided, multiple submitters, no conflicts (2 of 4 stars). 4 submissions from 4 submitters: Benign (4). Last evaluated 2021-07-01.

Conditions:
Glycogen storage disease, type V (GSD5). Also called: MCARDLE DISEASE; MUSCLE GLYCOGEN PHOSPHORYLASE DEFICIENCY; MYOPHOSPHORYLASE DEFICIENCY; PYGM DEFICIENCY; McArdle type glycogen storage disease. Identifiers: Orphanet 368, MedGen C0017924, MONDO:0009293, OMIM 232600.

Allele frequency attached by ClinVar (database versions not stated): ESP Exome Variant Server 0.08526; gnomAD exomes 0.10624; gnomAD 0.10954; TOPMed 0.12453; 1000 Genomes Project 30x 0.17239; 1000 Genomes Project 0.17492.
gnomAD v4.1: 172,228 of 1,603,890 alleles (11%); highest among the groups gnomAD compares: East Asian, 40%; 13,023 homozygotes.

Submissions (4):

Genome-Nilou Lab
Classification: Benign for Glycogen storage disease, type V. Last evaluated: 2021-07-01. Review status: criteria provided, single submitter. Criteria: ACMG Guidelines, 2015. Collection method: clinical testing. Allele origin: germline. Affected: no.

GeneDx
Classification: Benign. Last evaluated: 2018-06-19. Review status: criteria provided, single submitter. Criteria: GeneDx Variant Classification (06012015). Collection method: clinical testing. Allele origin: germline. Affected: yes.
Comment: This variant is considered likely benign or benign based on one or more of the following criteria: it is a conservative change, it occurs at a poorly conserved position in the protein, it is predicted to be benign by multiple in silico algorithms, and/or has population frequency not consistent with disease.

Breakthrough Genomics
Classification: Benign. Review status: criteria provided, single submitter. Criteria: ACMG Guidelines, 2015. Collection method: not provided. Allele origin: germline. Inheritance: Autosomal recessive inheritance. Affected: yes.

PreventionGenetics, part of Exact Sciences
Classification: Benign. Review status: criteria provided, single submitter. Criteria: ACMG Guidelines, 2015. Collection method: clinical testing. Allele origin: germline.